The following is an entry in ClinVar:

ClinVar aggregate classification (germline): Conflicting classifications of pathogenicity. Review status: criteria provided, conflicting classifications (1 of 4 stars). 6 submissions from 6 submitters: Uncertain significance (3); Likely benign (3). Last evaluated 2025-11-05.

Conditions:
Cardiovascular phenotype. Identifiers: MedGen CN230736.
TTN-related disorder. Also called: TTN-related condition; TTN-related disease; TTN-related disorders.

Allele frequency attached by ClinVar (database versions not stated): gnomAD exomes 0.00002 and 0.00008; gnomAD 0.00011 and 0.00012; ExAC 0.00013; TOPMed 0.00014; ESP Exome Variant Server 0.00017.
gnomAD v4.1: 51 of 1,608,742 alleles (0.0032%); highest among the groups gnomAD compares: African/African-American, 0.029%; no homozygotes.

Submissions (6):

PreventionGenetics, part of Exact Sciences
Classification: Uncertain significance for TTN-related condition. Last evaluated: 2025-11-05. Review status: criteria provided, single submitter. Criteria: ACMG Guidelines, 2015. Collection method: clinical testing. Allele origin: germline.
Comment: The TTN c.63775G>A variant is predicted to result in the amino acid substitution p.Val21259Ile. To our knowledge, this variant has not been reported in the literature. This variant is reported in 0.042% of alleles in individuals of African descent in gnomAD. At this time, the clinical significance of this variant is uncertain due to the absence of conclusive functional and genetic evidence.

Blueprint Genetics
Classification: Likely benign. Last evaluated: 2024-07-10. Review status: criteria provided, single submitter. Criteria: ACMG Guidelines, 2015. Collection method: clinical testing. Allele origin: germline.

Ambry Genetics
Classification: Likely benign for Cardiovascular phenotype. Last evaluated: 2020-08-31. Review status: criteria provided, single submitter. Criteria: Ambry Variant Classification Scheme 2023. Collection method: clinical testing. Allele origin: germline.

Revvity Omics, Revvity
Classification: Uncertain significance. Last evaluated: 2019-04-26. Review status: criteria provided, single submitter. Criteria: ACMG Guidelines, 2015. Collection method: clinical testing. Allele origin: germline.

GeneDx
Classification: Likely benign. Last evaluated: 2018-04-23. Review status: criteria provided, single submitter. Criteria: GeneDx Variant Classification (06012015). Collection method: clinical testing. Allele origin: germline. Affected: yes.
Comment: This variant is considered likely benign or benign based on one or more of the following criteria: it is a conservative change, it occurs at a poorly conserved position in the protein, it is predicted to be benign by multiple in silico algorithms, and/or has population frequency not consistent with disease.

Eurofins Ntd Llc (ga)
Classification: Uncertain significance. Last evaluated: 2017-06-05. Review status: criteria provided, single submitter. Criteria: EGL Classification Definitions 2015. Collection method: clinical testing. Allele origin: germline. Observed: 1 variant allele, 1 heterozygote.

NM_001267550.2(TTN):c.63775G>A (p.Val21259Ile)

Genes: TTN-AS1 (TTN antisense RNA 1; plus strand), TTN (titin; minus strand). Cytogenetic location: 2q31.2.
Variant type: single nucleotide variant.
Coding change: c.63775G>A on transcript NM_001267550.2 (MANE Select); coding-DNA position 63775, G replaced by A.
Protein change: p.Val21259Ile; replaces valine 21259 with isoleucine.
Molecular consequence: missense variant.
Genome position (GRCh38, 1-based): chr2:178,587,534, C>T on the plus strand (G>A on the coding strand, the complement: TTN is on the minus strand). VCF-style: chr2-178587534-C-T. GRCh37 (hg19) VCF-style: chr2-179452261-C-T.
Other names: c.58852G>A, p.Val19618Ile (NM_001256850.1); c.36580G>A, p.Val12194Ile (NM_003319.4); c.56071G>A, p.Val18691Ile (NM_133378.4); c.36955G>A, p.Val12319Ile (NM_133432.3); c.37156G>A, p.Val12386Ile (NM_133437.4); short protein forms V18691I, V21259I, V12319I, V12194I, V12386I, V19618I.
Identifiers: ClinVar variation 502372 (VCV000502372.15), dbSNP rs371286595, ClinGen allele CA1992032.